The following is an entry in ClinVar:

ClinVar aggregate classification (germline): Likely pathogenic (1 of 4 stars; one submission).

Conditions:
Autosomal recessive limb-girdle muscular dystrophy. Identifiers: Orphanet 102015, MedGen C2931907, MONDO:0015152.

Submission:

Myriad Genetics, Inc.
Classification: Likely pathogenic for Autosomal recessive limb-girdle muscular dystrophy. Last evaluated: 2022-01-02. Review status: criteria provided, single submitter. Criteria: Myriad Autosomal Dominant, Autosomal Recessive and X-Linked Classification Criteria (2023). Collection method: clinical testing. Allele origin: unknown.
Comment: NM_003494.3(DYSF):c.2199delC(T734Pfs*15) is expected to be pathogenic in the context of dysferlinopathy. This variant is predicted to lead to an abnormal or absent protein product due to the creation of a premature termination codon in DYSF, a gene where loss-of-function variants are known to be pathogenic. Please note: this variant was assessed in the context of healthy population screening.

NM_001130987.2(DYSF):c.2253del (p.Thr752fs)

Gene: DYSF (dysferlin; plus strand). Cytogenetic location: 2p13.2.
Variant type: Deletion.
Coding change: c.2253del on transcript NM_001130987.2 (MANE Select); coding-DNA position 2253, one base deleted (C; older notation c.2253delC).
Protein change: p.Thr752fs; shifts the reading frame from threonine 752.
Molecular consequence: frameshift variant.
Genome position (GRCh38, 1-based): chr2:71,561,788, C deleted; the last of 2 consecutive C bases (chr2:71,561,787-71,561,788); deleting either gives the same sequence. VCF-style (leftmost placement, unchanged base first): chr2-71561786-GC-G. GRCh37 (hg19) VCF-style: chr2-71788916-GC-G.
Other names: c.2202del, p.Thr735fs (NM_001130455.2, NM_001130983.2); c.2157del, p.Thr720fs (NM_001130976.2, NM_001130977.2); c.2199del, p.Thr734fs (NM_001130978.2, NM_003494.4); c.2292del, p.Thr765fs (NM_001130979.2); c.2250del, p.Thr751fs (NM_001130980.2, NM_001130981.2); c.2295del, p.Thr766fs (NM_001130982.2); c.2160del, p.Thr721fs (NM_001130984.2, NM_001130986.2); c.2253del, p.Thr752fs (NM_001130985.2); short protein forms T720fs, T721fs, T734fs, T735fs, T751fs, T752fs, T765fs, T766fs.
Identifiers: ClinVar variation 1726832 (VCV001726832.3), dbSNP rs2545752931, ClinGen allele CA2580067848.